The following is an entry in ClinVar:

ClinVar aggregate classification (germline): Uncertain significance. Review status: criteria provided, multiple submitters, no conflicts (2 of 4 stars). 2 submissions from 2 submitters: Uncertain significance (2). Last evaluated 2025-07-27.

Conditions:
Nemaline myopathy 2 (NEM2). Also called: Nemaline myopathy 2, autosomal recessive. Identifiers: MedGen C1850569, MONDO:0009725, OMIM 256030.

gnomAD v4.1: 1 of 1,613,470 alleles (0.000062%); highest among the groups gnomAD compares: Non-Finnish European, 0.000085%; no homozygotes.

Submissions (2):

Labcorp Genetics (formerly Invitae), Labcorp
Classification: Uncertain significance for Nemaline myopathy 2. Last evaluated: 2025-07-27. Review status: criteria provided, single submitter. Criteria: Invitae Variant Classification Sherloc (09022015). Collection method: clinical testing. Allele origin: germline.
Comment: This sequence change replaces aspartic acid, which is acidic and polar, with histidine, which is basic and polar, at codon 7299 of the NEB protein (p.Asp7299His). This variant is not present in population databases (gnomAD no frequency). This variant has not been reported in the literature in individuals affected with NEB-related conditions. ClinVar contains an entry for this variant (Variation ID: 281374). Experimental studies and prediction algorithms are not available or were not evaluated, and the functional significance of this variant is currently unknown. In summary, the available evidence is currently insufficient to determine the role of this variant in disease. Therefore, it has been classified as a Variant of Uncertain Significance.

Eurofins Ntd Llc (ga)
Classification: Uncertain significance. Last evaluated: 2015-06-11. Review status: criteria provided, single submitter. Criteria: EGL Classification Definitions 2015. Collection method: clinical testing. Allele origin: germline. Observed: 1 variant allele, 1 heterozygote.

NM_001164508.2(NEB):c.21790G>C (p.Asp7264His)

Genes: NEB (nebulin; minus strand), RIF1 (replication timing regulatory factor 1; plus strand). Cytogenetic location: 2q23.3.
Variant type: single nucleotide variant.
Coding change: c.21790G>C on transcript NM_001164508.2 (MANE Select); coding-DNA position 21790, G replaced by C.
Protein change: p.Asp7264His; replaces aspartic acid 7264 with histidine.
Molecular consequence: missense variant.
Genome position (GRCh38, 1-based): chr2:151,527,531, C>G on the plus strand (G>C on the coding strand, the complement: NEB is on the minus strand). VCF-style: chr2-151527531-C-G. GRCh37 (hg19) VCF-style: chr2-152384045-C-G.
Other names: c.21790G>C, p.Asp7264His (NM_001164507.2); c.21895G>C, p.Asp7299His (NM_001271208.2); c.16687G>C, p.Asp5563His (NM_004543.5); short protein forms D7299H, D5563H, D7264H.
Identifiers: ClinVar variation 281374 (VCV000281374.6), dbSNP rs780337761, ClinGen allele CA10603860.